The following is an entry in ClinVar:

ClinVar aggregate classification (germline): Uncertain significance (1 of 4 stars; one submission).

Conditions:
Left ventricular noncompaction 8 (LVNC8). Identifiers: Orphanet 154, Orphanet 54260, MedGen C3809288, MONDO:0014152, OMIM 615373.

Allele frequency attached by ClinVar (database versions not stated): gnomAD exomes below 0.00001; gnomAD 0.00001; TOPMed 0.00001.

Submission:

Labcorp Genetics (formerly Invitae), Labcorp
Classification: Uncertain significance for Left ventricular noncompaction 8. Last evaluated: 2026-01-12. Review status: criteria provided, single submitter. Criteria: Invitae Variant Classification Sherloc (09022015). Collection method: clinical testing. Allele origin: germline.
Comment: This sequence change replaces leucine, which is neutral and non-polar, with methionine, which is neutral and non-polar, at codon 534 of the PRDM16 protein (p.Leu534Met). This variant is not present in population databases (gnomAD no frequency). This variant has not been reported in the literature in individuals affected with PRDM16-related conditions. ClinVar contains an entry for this variant (Variation ID: 2800415). An algorithm developed to predict the effect of missense changes on protein structure and function (PolyPhen-2) suggests that this variant is likely to be disruptive. In summary, the available evidence is currently insufficient to determine the role of this variant in disease. Therefore, it has been classified as a Variant of Uncertain Significance.

NM_022114.4(PRDM16):c.1600C>A (p.Leu534Met)

Gene: PRDM16 (PR/SET domain 16; plus strand). Cytogenetic location: 1p36.32.
Variant type: single nucleotide variant.
Coding change: c.1600C>A on transcript NM_022114.4 (MANE Select); coding-DNA position 1600, C replaced by A.
Protein change: p.Leu534Met; replaces leucine 534 with methionine.
Molecular consequence: missense variant.
Genome position (GRCh38, 1-based): chr1:3,411,797, C>A. VCF-style: chr1-3411797-C-A. GRCh37 (hg19) VCF-style: chr1-3328361-C-A.
Other names: c.1600C>A, p.Leu534Met (NM_199454.3); short protein forms L534M.
Identifiers: ClinVar variation 2800415 (VCV002800415.3), dbSNP rs1157627074, ClinGen allele CA337998253.
Genomic context (GRCh38, chr1:3,411,797, plus strand): 5'-TTCCCGGGCATCTTCCCTCCATCCTTGTACCCCCGGCCGCCTCTGCTACCTCCCACATCG[C>A]TGCTCAAGAGCCCCCTGAACCACACCCAGGACGCCAAGCTCCCCAGTCCCCTGGGGAACC-3'
Protein context (NP_071397.3, residues 524-544): PRPPLLPPTS[Leu534Met]LKSPLNHTQD